The following is an entry in ClinVar:

ClinVar aggregate classification (germline): Likely benign (1 of 4 stars; one submission).

Allele frequency attached by ClinVar (database versions not stated): ESP Exome Variant Server 0.00221; 1000 Genomes Project 0.00240.
gnomAD v4.1: 1,828 of 1,609,732 alleles (0.11%); highest among the groups gnomAD compares: African/African-American, 1.1%; 10 homozygotes.

Submission:

CeGaT Center for Human Genetics Tuebingen
Classification: Likely benign. Last evaluated: 2024-01-01. Review status: criteria provided, single submitter. Criteria: CeGaT Center For Human Genetics Tuebingen Variant Classification Criteria Version 2. Collection method: clinical testing. Allele origin: germline. Affected: yes. Observed: 1 variant allele.
Comment: AHNAK2: BP4, BP7

NM_138420.4(AHNAK2):c.10446C>A (p.Ser3482=)

Gene: AHNAK2 (AHNAK nucleoprotein 2; minus strand). Cytogenetic location: 14q32.33.
Variant type: single nucleotide variant.
Coding change: c.10446C>A on transcript NM_138420.4 (MANE Select); coding-DNA position 10446, C replaced by A.
Protein change: p.Ser3482=; no amino-acid change (serine 3482 retained).
Molecular consequence: synonymous variant.
Genome position (GRCh38, 1-based): chr14:104,945,005, G>T on the plus strand (C>A on the coding strand, the complement: AHNAK2 is on the minus strand). VCF-style: chr14-104945005-G-T. GRCh37 (hg19) VCF-style: chr14-105411342-G-T.
Other names: c.10146C>A, p.Ser3382= (NM_001350929.2).
Identifiers: ClinVar variation 3024917 (VCV003024917.22), dbSNP rs144545959, ClinGen allele CA7379142.